The following is an entry in ClinVar:

ClinVar aggregate classification (germline): Conflicting classifications of pathogenicity. Review status: criteria provided, conflicting classifications (1 of 4 stars). 2 submissions from 2 submitters: Uncertain significance (1); Likely benign (1). Last evaluated 2025-12-03.

Conditions:
Familial adenomatous polyposis 1 (FAP1). Also called: FAMILIAL ADENOMATOUS POLYPOSIS 1, ATTENUATED; POLYPOSIS, ADENOMATOUS INTESTINAL. Identifiers: MedGen C2713442, MONDO:0021056, OMIM 175100. Disease mechanism: loss of function.

Allele frequency attached by ClinVar (database versions not stated): TOPMed below 0.00001; gnomAD 0.00001; gnomAD exomes 0.00001.
gnomAD v4.1: 42 of 1,370,510 alleles (0.0031%); highest among the groups gnomAD compares: Non-Finnish European, 0.0036%; no homozygotes.

Submissions (2):

Labcorp Genetics (formerly Invitae), Labcorp
Classification: Uncertain significance for Familial adenomatous polyposis 1. Last evaluated: 2025-12-03. Review status: criteria provided, single submitter. Criteria: Invitae Variant Classification Sherloc (09022015). Collection method: clinical testing. Allele origin: germline.
Comment: This variant occurs in a non-coding region of the APC gene. It does not change the encoded amino acid sequence of the APC protein. This variant is present in population databases (rs761592349, gnomAD 0.004%). This variant has not been reported in the literature in individuals affected with APC-related conditions. ClinVar contains an entry for this variant (Variation ID: 662666). Experimental studies and prediction algorithms are not available or were not evaluated, and the functional significance of this variant is currently unknown. In summary, the available evidence is currently insufficient to determine the role of this variant in disease. Therefore, it has been classified as a Variant of Uncertain Significance.

Center for Genomic Medicine, Rigshospitalet, Copenhagen University Hospital
Classification: Likely benign. Last evaluated: 2025-03-04. Review status: criteria provided, single submitter. Criteria: ACMG Guidelines, 2015. Collection method: clinical testing. Allele origin: germline.

NM_001127511.3(APC):c.27G>C (p.Pro9=)

Gene: APC (APC regulator of Wnt signaling pathway; plus strand). Cytogenetic location: 5q22.2.
Variant type: single nucleotide variant.
Coding change: c.27G>C on transcript NM_001127511.3; coding-DNA position 27, G replaced by C.
Protein change: p.Pro9=; no amino-acid change (proline 9 retained).
Molecular consequence: synonymous variant. On other transcripts: 5 prime UTR variant (8), non-coding transcript variant (1), intron variant (5).
Genome position (GRCh38, 1-based): chr5:112,707,744, G>C. VCF-style: chr5-112707744-G-C. GRCh37 (hg19) VCF-style: chr5-112043441-G-C.
Other names: c.-157G>C (NM_001354895.2, NM_001407447.1, NM_001407452.1 and 3 more transcripts); c.27G>C, p.Pro9= (NM_001354897.2, NM_001354902.2, NM_001407446.1); c.-1192G>C (NM_001407470.1, NM_001407472.1); c.-19+95G>C (NM_001407448.1, NM_001407450.1, NM_001407457.1 and 1 more transcripts); c.-43+95G>C (NM_001407453.1).
Identifiers: ClinVar variation 662666 (VCV000662666.11), dbSNP rs761592349, ClinGen allele CA124925113.